The following is an entry in ClinVar:

NM_021831.6(AGBL5):c.1460G>A (p.Arg487Gln)

Gene: AGBL5 (AGBL carboxypeptidase 5; plus strand). Cytogenetic location: 2p23.3.
Variant type: single nucleotide variant.
Coding change: c.1460G>A on transcript NM_021831.6 (MANE Select); coding-DNA position 1460, G replaced by A.
Protein change: p.Arg487Gln; replaces arginine 487 with glutamine.
Molecular consequence: missense variant. On other transcripts: non-coding transcript variant (2).
Genome position (GRCh38, 1-based): chr2:27,056,717, G>A. VCF-style: chr2-27056717-G-A. GRCh37 (hg19) VCF-style: chr2-27279585-G-A.
Other names: c.1460G>A, p.Arg487Gln (NM_001035507.3); short protein forms R487Q.
Identifiers: ClinVar variation 942623 (VCV000942623.10), dbSNP rs771255981, ClinGen allele CA1567877.

ClinVar aggregate classification (germline): Uncertain significance. Review status: criteria provided, multiple submitters, no conflicts (2 of 4 stars). 4 submissions from 4 submitters: Uncertain significance (4). Last evaluated 2025-05-07.

Conditions:
Inborn genetic diseases. Identifiers: MedGen C0950123, MeSH D030342.
Retinal dystrophy. Also called: Inherited retinal dystrophy. Identifiers: Orphanet 71862, MedGen C0854723, MeSH D058499, MONDO:0019118, HP:0000556.

Allele frequency attached by ClinVar (database versions not stated): TOPMed 0.00004; gnomAD 0.00005; ExAC 0.00006; gnomAD exomes 0.00010.
gnomAD v4.1: 52 of 1,613,776 alleles (0.0032%); highest among the groups gnomAD compares: East Asian, 0.1%; no homozygotes.

Submissions (4):

Ambry Genetics
Classification: Uncertain significance for Inborn genetic diseases. Last evaluated: 2025-05-07. Review status: criteria provided, single submitter. Criteria: Ambry Variant Classification Scheme 2023. Collection method: clinical testing. Allele origin: germline.

Dept Of Ophthalmology, Nagoya University
Classification: Uncertain significance for Retinal dystrophy. Last evaluated: 2023-10-01. Review status: criteria provided, single submitter. Criteria: Submitter's publication. Collection method: research. Allele origin: germline. Affected: yes.

Blueprint Genetics
Classification: Uncertain significance. Last evaluated: 2022-10-11. Review status: criteria provided, single submitter. Criteria: ACMG Guidelines, 2015. Collection method: clinical testing. Allele origin: germline.

Labcorp Genetics (formerly Invitae), Labcorp
Classification: Uncertain significance. Last evaluated: 2022-06-10. Review status: criteria provided, single submitter. Criteria: Invitae Variant Classification Sherloc (09022015). Collection method: clinical testing. Allele origin: germline.
Comment: This sequence change replaces arginine, which is basic and polar, with glutamine, which is neutral and polar, at codon 487 of the AGBL5 protein (p.Arg487Gln). This variant is present in population databases (rs771255981, gnomAD 0.1%). This variant has not been reported in the literature in individuals affected with AGBL5-related conditions. ClinVar contains an entry for this variant (Variation ID: 942623). Algorithms developed to predict the effect of missense changes on protein structure and function are either unavailable or do not agree on the potential impact of this missense change (SIFT: "Deleterious"; PolyPhen-2: "Possibly Damaging"; Align-GVGD: "Class C0"). In summary, the available evidence is currently insufficient to determine the role of this variant in disease. Therefore, it has been classified as a Variant of Uncertain Significance.